The following is an entry in ClinVar:

ClinVar aggregate classification (germline): Uncertain significance (1 of 4 stars; one submission).

Submission:

Labcorp Genetics (formerly Invitae), Labcorp
Classification: Uncertain significance. Last evaluated: 2025-12-15. Review status: criteria provided, single submitter. Criteria: Invitae Variant Classification Sherloc (09022015). Collection method: clinical testing. Allele origin: germline.
Comment: This sequence change replaces arginine, which is basic and polar, with tryptophan, which is neutral and slightly polar, at codon 35 of the PITX1 protein (p.Arg35Trp). The frequency data for this variant in the population databases is considered unreliable, as metrics indicate poor data quality at this position in the gnomAD database. This variant has not been reported in the literature in individuals affected with PITX1-related conditions. An algorithm developed to predict the effect of missense changes on protein structure and function (PolyPhen-2) suggests that this variant is likely to be tolerated. In summary, the available evidence is currently insufficient to determine the role of this variant in disease. Therefore, it has been classified as a Variant of Uncertain Significance.

NM_002653.5(PITX1):c.103C>T (p.Arg35Trp)

Genes: PITX1 (paired like homeodomain 1; minus strand), PITX1-AS1 (PITX1 antisense RNA 1; plus strand). Cytogenetic location: 5q31.1.
Variant type: single nucleotide variant.
Coding change: c.103C>T on transcript NM_002653.5 (MANE Select); coding-DNA position 103, C replaced by T.
Protein change: p.Arg35Trp; replaces arginine 35 with tryptophan.
Molecular consequence: missense variant.
Genome position (GRCh38, 1-based): chr5:135,033,779, G>A on the plus strand (C>T on the coding strand, the complement: PITX1 is on the minus strand). VCF-style: chr5-135033779-G-A. GRCh37 (hg19) VCF-style: chr5-134369469-G-A.
Other names: short protein forms R35W.
Identifiers: ClinVar variation 4760582 (VCV004760582.1).